The following is an entry in ClinVar:

ClinVar aggregate classification (germline): Uncertain significance. Review status: criteria provided, multiple submitters, no conflicts (2 of 4 stars). 2 submissions from 2 submitters: Uncertain significance (2). Last evaluated 2022-03-27.

Allele frequency attached by ClinVar (database versions not stated): gnomAD exomes below 0.00001.
gnomAD v4.1: 5 of 1,614,008 alleles (0.00031%); highest among the groups gnomAD compares: South Asian, 0.0055%; no homozygotes.

Submissions (2):

Labcorp Genetics (formerly Invitae), Labcorp
Classification: Uncertain significance. Last evaluated: 2022-03-27. Review status: criteria provided, single submitter. Criteria: Invitae Variant Classification Sherloc (09022015). Collection method: clinical testing. Allele origin: germline.
Comment: In summary, the available evidence is currently insufficient to determine the role of this variant in disease. Therefore, it has been classified as a Variant of Uncertain Significance. Algorithms developed to predict the effect of missense changes on protein structure and function are either unavailable or do not agree on the potential impact of this missense change (SIFT: "Deleterious"; PolyPhen-2: "Possibly Damaging"; Align-GVGD: "Class C0"). ClinVar contains an entry for this variant (Variation ID: 451619). This variant has not been reported in the literature in individuals affected with TK2-related conditions. This variant is present in population databases (no rsID available, gnomAD 0.003%). This sequence change replaces valine, which is neutral and non-polar, with methionine, which is neutral and non-polar, at codon 78 of the TK2 protein (p.Val78Met).

GeneDx
Classification: Uncertain significance. Last evaluated: 2017-08-23. Review status: criteria provided, single submitter. Criteria: GeneDx Variant Classification (06012015). Collection method: clinical testing. Allele origin: germline. Affected: yes.
Comment: The V78M variant in the TK2 gene has not been reported previously as a pathogenic variant, nor as a benign variant, to our knowledge. The V78M variant is not observed in large population cohorts (Lek et al., 2016; 1000 Genomes Consortium et al., 2015; Exome Variant Server). The V78M variant is a conservative amino acid substitution, which is not likely to impact secondary protein structure as these residues share similar properties. This substitution occurs at a position that is conserved in mammals. In silico analysis is inconsistent in its predictions as to whether or not the variant is damaging to the protein structure/function. We interpret V78M as a variant of uncertain significance.

NM_004614.5(TK2):c.232G>A (p.Val78Met)

Gene: TK2 (thymidine kinase 2; minus strand). Cytogenetic location: 16q21.
Variant type: single nucleotide variant.
Coding change: c.232G>A on transcript NM_004614.5 (MANE Select); coding-DNA position 232, G replaced by A.
Protein change: p.Val78Met; replaces valine 78 with methionine.
Molecular consequence: missense variant. On other transcripts: 5 prime UTR variant (1), non-coding transcript variant (1), intron variant (1).
Genome position (GRCh38, 1-based): chr16:66,537,017, C>T on the plus strand (G>A on the coding strand, the complement: TK2 is on the minus strand). VCF-style: chr16-66537017-C-T. GRCh37 (hg19) VCF-style: chr16-66570920-C-T.
Other names: c.139G>A, p.Val47Met (NM_001172643.1, NM_001271935.1); c.157G>A, p.Val53Met (NM_001172644.2); c.85G>A, p.Val29Met (NM_001271934.2); c.-60G>A (NM_001272050.2); c.231+4862G>A (NM_001172645.2); short protein forms V78M, V47M, V29M, V53M.
Identifiers: ClinVar variation 451619 (VCV000451619.6), dbSNP rs1348026323, ClinGen allele CA396191779.
Genomic context (GRCh38, chr16:66,537,017, plus strand): 5'-CACTCACCAGAGGATTGTGGCCACGGACATTTCTCCACTTGGACACAGGCTCCGTTAACA[C>T]CTGGAAGGAAAGAAAACATCAGAGCTACTGTTTCTCTGTGCTGAACCCTGTAAAAGTGTG-3'
Protein context (NP_004605.4, residues 68-88): EFFSNATDVE[Val78Met]LTEPVSKWRN